The following is an entry in ClinVar:

NM_015627.3(LDLRAP1):c.376G>A (p.Asp126Asn)

Gene: LDLRAP1 (low density lipoprotein receptor adaptor protein 1; plus strand). Cytogenetic location: 1p36.11.
Variant type: single nucleotide variant.
Coding change: c.376G>A on transcript NM_015627.3 (MANE Select); coding-DNA position 376, G replaced by A.
Protein change: p.Asp126Asn; replaces aspartic acid 126 with asparagine.
Molecular consequence: missense variant.
Genome position (GRCh38, 1-based): chr1:25,557,184, G>A. VCF-style: chr1-25557184-G-A. GRCh37 (hg19) VCF-style: chr1-25883675-G-A.
Other names: short protein forms D126N.
Identifiers: ClinVar variation 2146167 (VCV002146167.3), dbSNP rs763971300, ClinGen allele CA695531.
Genomic context (GRCh38, chr1:25,557,184, plus strand): 5'-TCTGGTGATGCTTCCTCCTTGCCTTTCAGGATCTCCTATTGCACAGCAGACAAGATGCAC[G>A]ACAAGGTGTTTGCATACATCGCCCAGAGCCAGCACAACCAGAGCCTCGAGTGCCACGCCT-3'
Protein context (NP_056442.2, residues 116-136): ISYCTADKMH[Asp126Asn]KVFAYIAQSQ

ClinVar aggregate classification (germline): Conflicting classifications of pathogenicity. Review status: criteria provided, conflicting classifications (1 of 4 stars). 3 submissions from 3 submitters: Uncertain significance (1); Likely benign (1). 1 of the submissions does not count toward it. Last evaluated 2023-10-25.

Conditions:
Cardiovascular phenotype. Identifiers: MedGen CN230736.
Hypercholesterolemia, familial, 4 (FHCL4). Also called: HYPERCHOLESTEROLEMIA, AUTOSOMAL RECESSIVE, 1; HYPERCHOLESTEROLEMIA, AUTOSOMAL RECESSIVE, 2. Identifiers: Orphanet 391665, MedGen C1863512, MONDO:0011374, OMIM 603813.
LDLRAP1-related disorder. Also called: LDLRAP1-related condition.

Allele frequency attached by ClinVar (database versions not stated): ExAC 0.00002; gnomAD 0.00003; TOPMed 0.00004.
gnomAD v4.1: 55 of 1,614,048 alleles (0.0034%); highest among the groups gnomAD compares: African/African-American, 0.008%; no homozygotes.

Submissions (3):

Ambry Genetics
Classification: Likely benign for Cardiovascular phenotype. Last evaluated: 2023-10-25. Review status: criteria provided, single submitter. Criteria: Ambry Variant Classification Scheme 2023. Collection method: clinical testing. Allele origin: germline.

Labcorp Genetics (formerly Invitae), Labcorp
Classification: Uncertain significance for Hypercholesterolemia, familial, 4. Last evaluated: 2022-07-25. Review status: criteria provided, single submitter. Criteria: Invitae Variant Classification Sherloc (09022015). Collection method: clinical testing. Allele origin: germline.
Comment: This sequence change replaces aspartic acid, which is acidic and polar, with asparagine, which is neutral and polar, at codon 126 of the LDLRAP1 protein (p.Asp126Asn). This variant is present in population databases (rs763971300, gnomAD 0.05%). This variant has not been reported in the literature in individuals affected with LDLRAP1-related conditions. Algorithms developed to predict the effect of missense changes on protein structure and function are either unavailable or do not agree on the potential impact of this missense change (SIFT: "Deleterious"; PolyPhen-2: "Benign"; Align-GVGD: "Class C15"). In summary, the available evidence is currently insufficient to determine the role of this variant in disease. Therefore, it has been classified as a Variant of Uncertain Significance.

PreventionGenetics, part of Exact Sciences
Classification: Uncertain significance for LDLRAP1-related condition. Last evaluated: 2024-05-15. Review status: no assertion criteria provided. Collection method: clinical testing. Allele origin: germline. Not counted in ClinVar's aggregate classification.
Comment: The LDLRAP1 c.376G>A variant is predicted to result in the amino acid substitution p.Asp126Asn. This variant has been reported in two individuals with severe hypercholesterolemia (Junna et al. 2023. PubMed ID: 37848354). This variant is reported in 0.044% of alleles in individuals of European (Finnish) descent in gnomAD. At this time, the clinical significance of this variant is uncertain due to the absence of conclusive functional and genetic evidence.